The following is an entry in ClinVar:

ClinVar aggregate classification (germline): Benign/Likely benign. Review status: criteria provided, multiple submitters, no conflicts (2 of 4 stars). 4 submissions from 4 submitters: Benign (1); Likely benign (3). Last evaluated 2025-02-14.

Conditions:
Fanconi anemia complementation group O. Also called: RAD51C-Related Fanconi Anemia. Identifiers: Orphanet 84, MedGen C3150653, MONDO:0013248, OMIM 613390.
Hereditary cancer-predisposing syndrome. Also called: Tumor predisposition; Hereditary Cancer Syndrome; Neoplastic Syndromes, Hereditary; Hereditary neoplastic syndrome. Identifiers: Orphanet 140162, MedGen C0027672, MeSH D009386, MONDO:0015356.
Breast-ovarian cancer, familial, susceptibility to, 3. Also called: RAD51C-Related Breast/Ovarian Cancer. Identifiers: Orphanet 145, MedGen C3150659, MONDO:0013253, OMIM 613399.

Allele frequency attached by ClinVar (database versions not stated): gnomAD exomes 0.00001.
gnomAD v4.1: 5 of 1,614,120 alleles (0.00031%); highest among the groups gnomAD compares: Non-Finnish European, 0.00042%; no homozygotes.

Submissions (4):

Myriad Genetics, Inc.
Classification: Benign for Breast-ovarian cancer, familial, susceptibility to, 3. Last evaluated: 2025-02-14. Review status: criteria provided, single submitter. Criteria: Myriad Autosomal Dominant, Autosomal Recessive and X-Linked Classification Criteria (2023). Collection method: clinical testing. Allele origin: unknown.
Comment: This variant is considered benign. This variant is a silent/synonymous amino acid change and it is not expected to impact splicing.

Labcorp Genetics (formerly Invitae), Labcorp
Classification: Likely benign for Fanconi anemia complementation group O. Last evaluated: 2023-12-17. Review status: criteria provided, single submitter. Criteria: Invitae Variant Classification Sherloc (09022015). Collection method: clinical testing. Allele origin: germline.

Ambry Genetics
Classification: Likely benign for Hereditary cancer-predisposing syndrome. Last evaluated: 2021-11-02. Review status: criteria provided, single submitter. Criteria: Ambry Variant Classification Scheme 2023. Collection method: clinical testing. Allele origin: germline.

Color Diagnostics, LLC DBA Color Health
Classification: Likely benign for Hereditary cancer-predisposing syndrome. Last evaluated: 2019-02-12. Review status: criteria provided, single submitter. Criteria: ACMG Guidelines, 2015. Collection method: clinical testing. Allele origin: germline.

NM_058216.3(RAD51C):c.333T>C (p.Leu111=)

Gene: RAD51C (RAD51 paralog C; plus strand). Cytogenetic location: 17q22.
Variant type: single nucleotide variant.
Coding change: c.333T>C on transcript NM_058216.3 (MANE Select); coding-DNA position 333, T replaced by C.
Protein change: p.Leu111=; no amino-acid change (leucine 111 retained).
Molecular consequence: synonymous variant. On other transcripts: non-coding transcript variant (2).
Genome position (GRCh38, 1-based): chr17:58,695,118, T>C. VCF-style: chr17-58695118-T-C. GRCh37 (hg19) VCF-style: chr17-56772479-T-C.
Other names: c.333T>C, p.Leu111= (NM_002876.4).
Identifiers: ClinVar variation 755281 (VCV000755281.14), dbSNP rs1598456183, ClinGen allele CA501074713.